The following is an entry in ClinVar:

ClinVar aggregate classification (germline): Uncertain significance (1 of 4 stars; one submission).

Allele frequency attached by ClinVar (database versions not stated): gnomAD exomes below 0.00001 and 0.00001; TOPMed below 0.00001; gnomAD 0.00003.
gnomAD v4.1: 7 of 1,612,344 alleles (0.00043%); highest among the groups gnomAD compares: African/African-American, 0.0093%; no homozygotes.

Submission:

Labcorp Genetics (formerly Invitae), Labcorp
Classification: Uncertain significance. Last evaluated: 2021-03-27. Review status: criteria provided, single submitter. Criteria: Invitae Variant Classification Sherloc (09022015). Collection method: clinical testing. Allele origin: germline.
Comment: In summary, the available evidence is currently insufficient to determine the role of this variant in disease. Therefore, it has been classified as a Variant of Uncertain Significance. Algorithms developed to predict the effect of missense changes on protein structure and function are either unavailable or do not agree on the potential impact of this missense change (SIFT: "Deleterious"; PolyPhen-2: "Benign"; Align-GVGD: "Class C0"). This variant has not been reported in the literature in individuals with SPPL2A-related conditions. This variant is not present in population databases (ExAC no frequency). This sequence change replaces valine with phenylalanine at codon 301 of the SPPL2A protein (p.Val301Phe). The valine residue is highly conserved and there is a small physicochemical difference between valine and phenylalanine.

NM_032802.4(SPPL2A):c.901G>T (p.Val301Phe)

Gene: SPPL2A (signal peptide peptidase like 2A; minus strand). Cytogenetic location: 15q21.2.
Variant type: single nucleotide variant.
Coding change: c.901G>T on transcript NM_032802.4 (MANE Select); coding-DNA position 901, G replaced by T.
Protein change: p.Val301Phe; replaces valine 301 with phenylalanine.
Molecular consequence: missense variant.
Genome position (GRCh38, 1-based): chr15:50,736,132, C>A on the plus strand (G>T on the coding strand, the complement: SPPL2A is on the minus strand). VCF-style: chr15-50736132-C-A. GRCh37 (hg19) VCF-style: chr15-51028329-C-A.
Other names: short protein forms V301F.
Identifiers: ClinVar variation 1472716 (VCV001472716.8), dbSNP rs1434773591, ClinGen allele CA392411749.